The following is an entry in ClinVar:

ClinVar aggregate classification (germline): Likely pathogenic (1 of 4 stars; one submission).

Conditions:
Cardiovascular phenotype. Identifiers: MedGen CN230736.

Submission:

Ambry Genetics
Classification: Likely pathogenic for Cardiovascular phenotype. Last evaluated: 2021-03-17. Review status: criteria provided, single submitter. Criteria: Ambry Variant Classification Scheme 2023. Collection method: clinical testing. Allele origin: germline.
Comment: The c.11550+1G>T intronic variant results from a G to T substitution one nucleotide after coding exon 16 of the ALMS1 gene. This variant was not reported in population-based cohorts in the Genome Aggregation Database (gnomAD). This nucleotide position is highly conserved in available vertebrate species. In silico splice site analysis predicts that this alteration will weaken the native splice donor site. Alterations that disrupt the canonical splice site are expected to cause aberrant splicing, resulting in an abnormal protein or a transcript that is subject to nonsense-mediated mRNA decay. As such, this alteration is classified as likely pathogenic.

NM_001378454.1(ALMS1):c.11547+1G>T

Gene: ALMS1 (ALMS1 centrosome and basal body associated protein; plus strand). Cytogenetic location: 2p13.1.
Variant type: single nucleotide variant.
Coding change: c.11547+1G>T on transcript NM_001378454.1 (MANE Select); the canonical splice donor site of the intron after coding-DNA position 11547, G replaced by T.
Molecular consequence: splice donor variant.
Genome position (GRCh38, 1-based): chr2:73,573,425, G>T. VCF-style: chr2-73573425-G-T. GRCh37 (hg19) VCF-style: chr2-73800552-G-T.
Other names: c.11550+1G>T (NM_015120.4); c.11547+1G>T (NM_015120.4).
Identifiers: ClinVar variation 1735010 (VCV001735010.2), dbSNP rs1553418638, ClinGen allele CA347290814.
Genomic context (GRCh38, chr2:73,573,425, plus strand): 5'-GTGCTGAATACAGGTCATCCCCTAGTGACTTCTGAGCACACCAGAAGGAGACACATCCAG[G>T]TACATGGCTACAGATTCCATCTGGCAATGTGACTGCCCTCTTCATGGACTTTTTAGTTAA-3'